The following is an entry in ClinVar:

ClinVar aggregate classification (germline): Uncertain significance (1 of 4 stars; one submission).

Conditions:
Familial hypobetalipoproteinemia 1. Also called: Hypobetalipoproteinemia, normotriglyceridemic; Acanthocytosis with hypobetalipoproteinemia; APOB-Related Familial Hypobetalipoproteinemia. Identifiers: MedGen C4551990, MONDO:0014252, OMIM 615558.
Hypercholesterolemia, autosomal dominant, type B (FHCL2). Also called: APOB-Related Familial Hypercholesterolemia, Autosomal Dominant; Familial Hypercholesterolemia Type B; APOLIPOPROTEIN B-100, FAMILIAL DEFECTIVE; APOLIPOPROTEIN B-100, FAMILIAL LIGAND-DEFECTIVE; HYPERCHOLESTEROLEMIA, FAMILIAL, DUE TO LIGAND-DEFECTIVE APOLIPOPROTEIN B; Familial hypercholesterolemia 2. Identifiers: MedGen C1704417, MONDO:0007751, OMIM 144010.

gnomAD v4.1: 3 of 1,614,086 alleles (0.00019%); highest among the groups gnomAD compares: Non-Finnish European, 0.00025%; no homozygotes.

Submission:

Labcorp Genetics (formerly Invitae), Labcorp
Classification: Uncertain significance for Familial hypobetalipoproteinemia 1; Hypercholesterolemia, autosomal dominant, type B. Last evaluated: 2024-06-08. Review status: criteria provided, single submitter. Criteria: Invitae Variant Classification Sherloc (09022015). Collection method: clinical testing. Allele origin: germline.
Comment: This sequence change replaces glycine, which is neutral and non-polar, with glutamic acid, which is acidic and polar, at codon 2797 of the APOB protein (p.Gly2797Glu). This variant is not present in population databases (gnomAD no frequency). This variant has not been reported in the literature in individuals affected with APOB-related conditions. Advanced modeling of protein sequence and biophysical properties (such as structural, functional, and spatial information, amino acid conservation, physicochemical variation, residue mobility, and thermodynamic stability) performed at Invitae indicates that this missense variant is not expected to disrupt APOB protein function with a negative predictive value of 95%. In summary, the available evidence is currently insufficient to determine the role of this variant in disease. Therefore, it has been classified as a Variant of Uncertain Significance.

NM_000384.3(APOB):c.8390G>A (p.Gly2797Glu)

Gene: APOB (apolipoprotein B; minus strand). Cytogenetic location: 2p24.1.
Variant type: single nucleotide variant.
Coding change: c.8390G>A on transcript NM_000384.3 (MANE Select); coding-DNA position 8390, G replaced by A.
Protein change: p.Gly2797Glu; replaces glycine 2797 with glutamic acid.
Molecular consequence: missense variant.
Genome position (GRCh38, 1-based): chr2:21,008,478, C>T on the plus strand (G>A on the coding strand, the complement: APOB is on the minus strand). VCF-style: chr2-21008478-C-T. GRCh37 (hg19) VCF-style: chr2-21231350-C-T.
Other names: short protein forms G2797E.
Identifiers: ClinVar variation 3763885 (VCV003763885.2).